The following is an entry in ClinVar:

NM_000199.5(SGSH):c.1153del (p.Arg385fs)

Gene: SGSH (N-sulfoglucosamine sulfohydrolase; minus strand). Cytogenetic location: 17q25.3.
Variant type: Deletion.
Coding change: c.1153del on transcript NM_000199.5 (MANE Select); coding-DNA position 1153, one base deleted (C; older notation c.1153delC).
Protein change: p.Arg385fs; shifts the reading frame from arginine 385.
Molecular consequence: frameshift variant. On other transcripts: 3 prime UTR variant (2), non-coding transcript variant (1).
Genome position (GRCh38, 1-based): chr17:80,210,808, G deleted on the plus strand (C on the coding strand, the reverse complement: SGSH is on the minus strand); the first of 2 consecutive G bases (chr17:80,210,808-80,210,809); deleting either gives the same sequence. VCF-style (leftmost placement, unchanged base first): chr17-80210807-CG-C. GRCh37 (hg19) VCF-style: chr17-78184606-CG-C.
Other names: c.*240del (NM_001352921.3); c.*203del (NM_001352922.2); c.1153del (NM_000199.3, NM_000199.4); short protein forms R385fs.
Identifiers: ClinVar variation 917772 (VCV000917772.9), dbSNP rs2041615714, ClinGen allele CA1139665928.
Genomic context (GRCh38, chr17:80,210,807, plus strand): 5'-GAGACGTAGAAGTCCTGGTCGATGGGAAAGGGCATCTTGAAGTTGAGGTTGTGCACGAGG[CG>C]GAAGTGCCGGTGCTGCACGGAGCGCATGGGGTAGGACATGGTGACCTCGTGGTGGCTCTG-3'

ClinVar aggregate classification (germline): Pathogenic/Likely pathogenic. Review status: criteria provided, multiple submitters, no conflicts (2 of 4 stars). 5 submissions from 5 submitters: Pathogenic (1); Likely pathogenic (4). Last evaluated 2025-10-13.

Conditions:
Mucopolysaccharidosis, MPS-III-A (MPS3A). Also called: SANFILIPPO SYNDROME A; SULFAMIDASE DEFICIENCY; MPS III A; HEPARAN SULFATE SULFATASE DEFICIENCY; Mucopolysaccharidosis, type IIIA; MUCOPOLYSACCHARIDOSIS, TYPE IIIA, ATTENUATED. Identifiers: Orphanet 581, Orphanet 79269, MedGen C0086647, MONDO:0009655, OMIM 252900.

Submissions (5):

Natera, Inc.
Classification: Likely pathogenic for Mucopolysaccharidosis type IIIA. Last evaluated: 2025-10-13. Review status: criteria provided, single submitter. Criteria: Natera Variant Classification Schema (03/2026). Collection method: clinical testing. Allele origin: germline.
Comment: The c.1153del variant in SGSH is a frameshift variant predicted to shift the reading frame beginning at codon 385 and leads to a stop codon 28 codons downstream. This variant is expected to result in nonsense mediated decay, truncation, or a dysfunctional protein product. This variant is rare in the general population with a frequency below the threshold expected for the associated phenotype(s). Given the available evidence, this variant is classified as Likely Pathogenic.

Labcorp Genetics (formerly Invitae), Labcorp
Classification: Pathogenic for Mucopolysaccharidosis, MPS-III-A. Last evaluated: 2025-08-20. Review status: criteria provided, single submitter. Criteria: Invitae Variant Classification Sherloc (09022015). Collection method: clinical testing. Allele origin: germline.
Comment: This sequence change creates a premature translational stop signal (p.Arg385Alafs*28) in the SGSH gene. While this is not anticipated to result in nonsense mediated decay, it is expected to disrupt the last 118 amino acid(s) of the SGSH protein. This variant is not present in population databases (gnomAD no frequency). This premature translational stop signal has been observed in individual(s) with mucopolysaccharidosis type III (PMID: 11668611). This variant is also known as c.1152del. ClinVar contains an entry for this variant (Variation ID: 917772). This variant disrupts a region of the SGSH protein in which other variant(s) (p.Trp479*) have been determined to be pathogenic (PMID: 21204211). This suggests that this is a clinically significant region of the protein, and that variants that disrupt it are likely to be disease-causing. For these reasons, this variant has been classified as Pathogenic.

GeneDx
Classification: Likely pathogenic. Last evaluated: 2025-07-25. Review status: criteria provided, single submitter. Criteria: GeneDx Variant Classification Process June 2021. Collection method: clinical testing. Allele origin: germline. Affected: yes.
Comment: Identified without a second variant in a patient with mucopolysaccharidosis type IIIA in the published literature (PMID: 11668611); Frameshift variant predicted to result in abnormal protein length as the last 118 amino acids are replaced with 27 different amino acids, and other similar variants have been reported in HGMD; Not observed at significant frequency in large population cohorts (gnomAD); This variant is associated with the following publications: (PMID: 11668611)

Fulgent Genetics
Classification: Likely pathogenic for Mucopolysaccharidosis, MPS-III-A. Last evaluated: 2024-05-16. Review status: criteria provided, single submitter. Criteria: ACMG Guidelines, 2015. Collection method: clinical testing. Allele origin: germline.

Women's Health and Genetics/Laboratory Corporation of America, LabCorp
Classification: Likely pathogenic for Mucopolysaccharidosis, MPS-III-A. Last evaluated: 2020-04-02. Review status: criteria provided, single submitter. Criteria: LabCorp Variant Classification Summary - May 2015. Collection method: clinical testing. Allele origin: germline.
Comment: Variant summary: SGSH c.1153delC (p.Arg385AlafsX28) results in a premature termination codon, predicted to cause a truncation of the encoded protein or absence of the protein due to nonsense mediated decay, which are commonly known mechanisms for disease. The variant was absent in 251050 control chromosomes (gnomAD). c.1153delC has been reported in the literature in at least one individual affected with Mucopolysaccharidosis Type IIIA (Sanfilippo Syndrome A- Yogalingam_2001). These data do not allow any conclusion about variant significance. To our knowledge, no experimental evidence demonstrating an impact on protein function has been reported. No clinical diagnostic laboratories have submitted clinical-significance assessments for this variant to ClinVar after 2014. Based on the evidence outlined above, the variant was classified as likely pathogenic.

Literature cited by the submitters: PubMed 11668611 (cited by Labcorp Genetics (formerly Invitae), Labcorp and Women's Health and Genetics/Laboratory Corporation of America, LabCorp); PubMed 21204211 (cited by Labcorp Genetics (formerly Invitae), Labcorp).